The following is an entry in ClinVar:

ClinVar aggregate classification (germline): Likely benign. Review status: criteria provided, multiple submitters, no conflicts (2 of 4 stars). 3 submissions from 3 submitters: Likely benign (3). Last evaluated 2025-10-12.

Conditions:
Tuberous sclerosis 1 (TSC1). Identifiers: Orphanet 805, MedGen C1854465, MONDO:0008612, OMIM 191100.
Tuberous sclerosis syndrome (TSC). Also called: Tuberous Sclerosis Complex; Tuberous sclerosis. Identifiers: Orphanet 805, MedGen C0041341, MONDO:0001734.

Allele frequency attached by ClinVar (database versions not stated): gnomAD exomes below 0.00001.
gnomAD v4.1: 1 of 1,613,472 alleles (0.000062%); highest among the groups gnomAD compares: Admixed American, 0.0017%; no homozygotes.

Submissions (3):

Labcorp Genetics (formerly Invitae), Labcorp
Classification: Likely benign for Tuberous sclerosis 1. Last evaluated: 2025-10-12. Review status: criteria provided, single submitter. Criteria: Invitae Variant Classification Sherloc (09022015). Collection method: clinical testing. Allele origin: germline.

Myriad Genetics, Inc.
Classification: Likely benign for Tuberous sclerosis 1. Last evaluated: 2025-04-29. Review status: criteria provided, single submitter. Criteria: Myriad Autosomal Dominant, Autosomal Recessive and X-Linked Classification Criteria (2023). Collection method: clinical testing. Allele origin: unknown.
Comment: This variant is considered likely benign. This variant is intronic and is not expected to impact mRNA splicing.

All of Us Research Program, National Institutes of Health
Classification: Likely benign for Tuberous sclerosis syndrome. Last evaluated: 2024-05-30. Review status: criteria provided, single submitter. Criteria: ACMG Guidelines, 2015. Collection method: clinical testing. Allele origin: germline. Inheritance: Autosomal dominant inheritance. Observed: 1 variant allele, 1 heterozygote.
Comment: This study involves interpretation of variants in research participants for the purpose of population health screening. Participant phenotype was not available at the time of variant classification. Additional details can be found in publication PMID: 35346344, PMCID: PMC8962531

NM_000368.5(TSC1):c.2976-15C>T

Gene: TSC1 (TSC complex subunit 1; minus strand). Cytogenetic location: 9q34.13.
Variant type: single nucleotide variant.
Coding change: c.2976-15C>T on transcript NM_000368.5 (MANE Select); 15 bases into the intron before coding-DNA position 2976, C replaced by T.
Molecular consequence: intron variant.
Genome position (GRCh38, 1-based): chr9:132,896,769, G>A on the plus strand (C>T on the coding strand, the complement: TSC1 is on the minus strand). VCF-style: chr9-132896769-G-A. GRCh37 (hg19) VCF-style: chr9-135772156-G-A.
Other names: c.2613-15C>T (NM_001362177.2); c.2823-15C>T (NM_001162427.2); c.2973-15C>T (NM_001162426.2).
Identifiers: ClinVar variation 1662850 (VCV001662850.10), dbSNP rs1195411560, ClinGen allele CA2573144362.